The following is an entry in ClinVar:

NC_000002.11:g.(?_26915734)_(26916036_?)dup

Gene: KCNK3 (potassium two pore domain channel subfamily K member 3; plus strand). Cytogenetic location: 2p23.3.
Variant type: Duplication.
Identifiers: ClinVar variation 1511833 (VCV001511833.4).

ClinVar aggregate classification (germline): Uncertain significance (1 of 4 stars; one submission).

Conditions:
Pulmonary hypertension, primary, 4. Identifiers: Orphanet 422, MedGen C3809198, MONDO:0014136, OMIM 615344.

Submission:

Labcorp Genetics (formerly Invitae), Labcorp
Classification: Uncertain significance for Pulmonary hypertension, primary, 4. Last evaluated: 2020-11-14. Review status: criteria provided, single submitter. Criteria: Invitae Variant Classification Sherloc (09022015). Collection method: clinical testing. Allele origin: germline.
Comment: In summary, the available evidence is currently insufficient to determine the role of this variant in disease. Therefore, it has been classified as a Variant of Uncertain Significance. Experimental studies and prediction algorithms are not available or were not evaluated, and the functional significance of this variant is currently unknown. This variant has not been reported in the literature in individuals with KCNK3-related conditions. This variant results in a copy number gain of the genomic region encompassing exon(s) 1 of the KCNK3 gene. This region includes the initiator codon of the gene. The 5' end of this event is unknown as it extends beyond the assayed region for this gene and therefore may encompass additional genes. The 3' boundary is likely confined to intron 1 of the KCNK3 gene. As the precise location of this event is unknown, it may be in tandem or it may be located elsewhere in the genome.